The following is an entry in ClinVar:

ClinVar aggregate classification (germline): Uncertain significance (1 of 4 stars; one submission).

gnomAD v4.1: 1 of 1,553,118 alleles (0.000064%); no homozygotes.

Submission:

GeneDx
Classification: Uncertain significance. Last evaluated: 2023-11-29. Review status: criteria provided, single submitter. Criteria: GeneDx Variant Classification Process June 2021. Collection method: clinical testing. Allele origin: germline. Affected: yes.
Comment: In silico analysis supports that this missense variant does not alter protein structure/function; Has not been previously published as pathogenic or benign to our knowledge

NM_003036.4(SKI):c.1588G>C (p.Ala530Pro)

Gene: SKI (SKI proto-oncogene; plus strand). Cytogenetic location: 1p36.32.
Variant type: single nucleotide variant.
Coding change: c.1588G>C on transcript NM_003036.4 (MANE Select); coding-DNA position 1588, G replaced by C.
Protein change: p.Ala530Pro; replaces alanine 530 with proline.
Molecular consequence: missense variant.
Genome position (GRCh38, 1-based): chr1:2,304,406, G>C. VCF-style: chr1-2304406-G-C. GRCh37 (hg19) VCF-style: chr1-2235845-G-C.
Other names: short protein forms A530P.
Identifiers: ClinVar variation 3365064 (VCV003365064.1).
Genomic context (GRCh38, chr1:2,304,406, plus strand): 5'-GCCAAGGACCTGGGCTCCCCGGGTGCGCGTGCCCTGCCCTCGGCCGTCCCTGATGCTGCG[G>C]CCCCTGCCGACGCCCCCAGTGGGCTGGAGGCGGAGCTGGAGCACCTGCGGCAGGCACTGG-3'
Protein context (NP_003027.1, residues 520-540): ALPSAVPDAA[Ala530Pro]PADAPSGLEA